The following is an entry in ClinVar:

NM_000018.4(ACADVL):c.1370T>C (p.Ile457Thr)

Gene: ACADVL (acyl-CoA dehydrogenase very long chain; plus strand). Cytogenetic location: 17p13.1.
Variant type: single nucleotide variant.
Coding change: c.1370T>C on transcript NM_000018.4 (MANE Select); coding-DNA position 1370, T replaced by C.
Protein change: p.Ile457Thr; replaces isoleucine 457 with threonine.
Molecular consequence: missense variant.
Genome position (GRCh38, 1-based): chr17:7,224,005, T>C. VCF-style: chr17-7224005-T-C. GRCh37 (hg19) VCF-style: chr17-7127324-T-C.
Other names: c.1304T>C, p.Ile435Thr (NM_001033859.3); c.1439T>C, p.Ile480Thr (NM_001270447.2); c.1142T>C, p.Ile381Thr (NM_001270448.2); short protein forms I435T, I480T, I381T, I457T.
Identifiers: ClinVar variation 1356951 (VCV001356951.5), dbSNP rs1392710608, ClinGen allele CA397724972.

ClinVar aggregate classification (germline): Uncertain significance (1 of 4 stars; one submission).

Conditions:
Very long chain acyl-CoA dehydrogenase deficiency (ACADVLD). Also called: Very Long-Chain Acyl-Coenzyme A Dehydrogenase Deficiency; VLCAD Deficiency. Identifiers: Orphanet 26793, MedGen C3887523, MONDO:0008723, OMIM 201475.

Allele frequency attached by ClinVar (database versions not stated): TOPMed 0.00001.
gnomAD v4.1: 9 of 1,614,164 alleles (0.00056%); highest among the groups gnomAD compares: Non-Finnish European, 0.00076%; no homozygotes.

Submission:

Labcorp Genetics (formerly Invitae), Labcorp
Classification: Uncertain significance for Very long chain acyl-CoA dehydrogenase deficiency. Last evaluated: 2021-08-30. Review status: criteria provided, single submitter. Criteria: Invitae Variant Classification Sherloc (09022015). Collection method: clinical testing. Allele origin: germline.
Comment: This sequence change replaces isoleucine with threonine at codon 457 of the ACADVL protein (p.Ile457Thr). The isoleucine residue is highly conserved and there is a moderate physicochemical difference between isoleucine and threonine. This variant is not present in population databases (ExAC no frequency). This variant has not been reported in the literature in individuals affected with ACADVL-related conditions. Algorithms developed to predict the effect of missense changes on protein structure and function (SIFT, PolyPhen-2, Align-GVGD) all suggest that this variant is likely to be disruptive. In summary, the available evidence is currently insufficient to determine the role of this variant in disease. Therefore, it has been classified as a Variant of Uncertain Significance.